The following is an entry in ClinVar:

NM_001130438.3(SPTAN1):c.6253C>A (p.Leu2085Met)

Gene: SPTAN1 (spectrin alpha, non-erythrocytic 1; plus strand). Cytogenetic location: 9q34.11.
Variant type: single nucleotide variant.
Coding change: c.6253C>A on transcript NM_001130438.3 (MANE Select); coding-DNA position 6253, C replaced by A.
Protein change: p.Leu2085Met; replaces leucine 2085 with methionine.
Molecular consequence: missense variant.
Genome position (GRCh38, 1-based): chr9:128,625,952, C>A. VCF-style: chr9-128625952-C-A. GRCh37 (hg19) VCF-style: chr9-131388231-C-A.
Other names: c.6178C>A, p.Leu2060Met (NM_001195532.2); c.6253C>A, p.Leu2085Met (NM_001363759.2, NM_001375310.1, NM_001375311.2 and 1 more transcripts); c.6193C>A, p.Leu2065Met (NM_001363765.2, NM_001375314.2); c.6289C>A, p.Leu2097Met (NM_001375312.2, NM_001375318.1); c.6238C>A, p.Leu2080Met (NM_003127.4); short protein forms L2060M, L2097M, L2080M, L2065M, L2085M.
Identifiers: ClinVar variation 1996176 (VCV001996176.4), dbSNP rs2542192072, ClinGen allele CA375087284.

ClinVar aggregate classification (germline): Uncertain significance (1 of 4 stars; one submission).

Conditions:
Early-infantile DEE. Also called: Ohtahara syndrome; Early infantile epileptic encephalopathy; Early infantile epileptic encephalopathy with suppression bursts. Identifiers: Orphanet 1934, MedGen C0393706, MONDO:0800491.

Submission:

Labcorp Genetics (formerly Invitae), Labcorp
Classification: Uncertain significance for Early-infantile DEE. Last evaluated: 2022-10-04. Review status: criteria provided, single submitter. Criteria: Invitae Variant Classification Sherloc (09022015). Collection method: clinical testing. Allele origin: germline.
Comment: In summary, the available evidence is currently insufficient to determine the role of this variant in disease. Therefore, it has been classified as a Variant of Uncertain Significance. Advanced modeling of protein sequence and biophysical properties (such as structural, functional, and spatial information, amino acid conservation, physicochemical variation, residue mobility, and thermodynamic stability) has been performed at Invitae for this missense variant, however the output from this modeling did not meet the statistical confidence thresholds required to predict the impact of this variant on SPTAN1 protein function. This variant has not been reported in the literature in individuals affected with SPTAN1-related conditions. This variant is not present in population databases (gnomAD no frequency). This sequence change replaces leucine, which is neutral and non-polar, with methionine, which is neutral and non-polar, at codon 2085 of the SPTAN1 protein (p.Leu2085Met).